The following is an entry in ClinVar:

NM_002764.4(PRPS1):c.668C>T (p.Ala223Val)

Gene: PRPS1 (phosphoribosyl pyrophosphate synthetase 1; plus strand). Cytogenetic location: Xq22.3.
Variant type: single nucleotide variant.
Coding change: c.668C>T on transcript NM_002764.4 (MANE Select); coding-DNA position 668, C replaced by T.
Protein change: p.Ala223Val; replaces alanine 223 with valine.
Molecular consequence: missense variant.
Genome position (GRCh38, 1-based): chrX:107,645,314, C>T. VCF-style: chrX-107645314-C-T. GRCh37 (hg19) VCF-style: chrX-106888544-C-T.
Other names: c.56C>T, p.Ala19Val (NM_001204402.2); short protein forms A223V, A19V.
Identifiers: ClinVar variation 2693060 (VCV002693060.3), dbSNP rs2521346023, ClinGen allele CA413812622.

ClinVar aggregate classification (germline): Uncertain significance (1 of 4 stars; one submission).

Conditions:
Charcot-Marie-Tooth Neuropathy X. Identifiers: MedGen CN118851.

Submission:

Labcorp Genetics (formerly Invitae), Labcorp
Classification: Uncertain significance for Charcot-Marie-Tooth Neuropathy X. Last evaluated: 2023-11-13. Review status: criteria provided, single submitter. Criteria: Invitae Variant Classification Sherloc (09022015). Collection method: clinical testing. Allele origin: germline.
Comment: This sequence change replaces alanine, which is neutral and non-polar, with valine, which is neutral and non-polar, at codon 223 of the PRPS1 protein (p.Ala223Val). This variant is not present in population databases (gnomAD no frequency). This variant has not been reported in the literature in individuals affected with PRPS1-related conditions. Advanced modeling of protein sequence and biophysical properties (such as structural, functional, and spatial information, amino acid conservation, physicochemical variation, residue mobility, and thermodynamic stability) performed at Invitae indicates that this missense variant is not expected to disrupt PRPS1 protein function with a negative predictive value of 80%. In summary, the available evidence is currently insufficient to determine the role of this variant in disease. Therefore, it has been classified as a Variant of Uncertain Significance.